The following is an entry in ClinVar:

ClinVar aggregate classification (germline): Pathogenic (1 of 4 stars; one submission).

Submission:

Labcorp Genetics (formerly Invitae), Labcorp
Classification: Pathogenic. Last evaluated: 2022-03-14. Review status: criteria provided, single submitter. Criteria: Invitae Variant Classification Sherloc (09022015). Collection method: clinical testing. Allele origin: germline.
Comment: For these reasons, this variant has been classified as Pathogenic. This premature translational stop signal has been observed in individual(s) with choroideremia (PMID: 31499530). This variant is not present in population databases (gnomAD no frequency). This sequence change creates a premature translational stop signal (p.Ser28Glnfs*32) in the CHM gene. It is expected to result in an absent or disrupted protein product. Loss-of-function variants in CHM are known to be pathogenic (PMID: 9067750, 23811034).

Literature cited by the submitters: PubMed 31499530; PubMed 9067750; PubMed 23811034.

NM_000390.4(CHM):c.82del (p.Ser28fs)

Gene: CHM (CHM Rab escort protein; minus strand). Cytogenetic location: Xq21.2.
Variant type: Deletion.
Coding change: c.82del on transcript NM_000390.4 (MANE Select); coding-DNA position 82, one base deleted (T; older notation c.82delT).
Protein change: p.Ser28fs; shifts the reading frame from serine 28.
Molecular consequence: frameshift variant. On other transcripts: 5 prime UTR variant (4).
Genome position (GRCh38, 1-based): chrX:86,027,525, A deleted on the plus strand (T on the coding strand, the reverse complement: CHM is on the minus strand); the first of 2 consecutive A bases (chrX:86,027,525-86,027,526); deleting either gives the same sequence. VCF-style (leftmost placement, unchanged base first): chrX-86027524-GA-G. GRCh37 (hg19) VCF-style: chrX-85282528-GA-G.
Other names: c.82del, p.Ser28fs (NM_001145414.4); c.-363del (NM_001320959.1, NM_001362517.1); c.-359del (NM_001362518.2, NM_001362519.1); short protein forms S28fs.
Identifiers: ClinVar variation 1918328 (VCV001918328.5), dbSNP rs2520866043, ClinGen allele CA2580102032.
Genomic context (GRCh38, chrX:86,027,524, plus strand): 5'-ATTAAATGCTATCGTTGATAAACTTACGAATCAACATGCAGAACTCTCCGGCCACTTCTT[GA>G]ACATGCAGCTGCAATGATGGATTCAGGCAAACCTACAAAAACACACACCCGTATCATTTA-3'